The following is an entry in ClinVar:

ClinVar aggregate classification (germline): Likely pathogenic (1 of 4 stars; one submission).

Conditions:
Cerebellar atrophy, visual impairment, and psychomotor retardation;. Also called: Cerebellar atrophy, visual impairment, and psychomotor retardation. Identifiers: MedGen C4225172, MONDO:0014811, OMIM 616875.

Submission:

Greenwood Genetic Center Diagnostic Laboratories, Greenwood Genetic Center
Classification: Likely pathogenic for Cerebellar atrophy, visual impairment, and psychomotor retardation;. Last evaluated: 2023-09-13. Review status: criteria provided, single submitter. Criteria: ACMG Guidelines, 2015. Collection method: clinical testing. Allele origin: germline. Affected: yes.
Comment: PVS1, PM2

NM_015047.3(EMC1):c.2802+2T>C

Genes: EMC1 (ER membrane protein complex subunit 1; minus strand), EMC1-AS1 (EMC1 antisense RNA 1; plus strand). Cytogenetic location: 1p36.13.
Variant type: single nucleotide variant.
Coding change: c.2802+2T>C on transcript NM_015047.3 (MANE Select); the canonical splice donor site of the intron after coding-DNA position 2802, T replaced by C.
Molecular consequence: splice donor variant.
Genome position (GRCh38, 1-based): chr1:19,219,567, A>G on the plus strand (T>C on the coding strand, the complement: EMC1 is on the minus strand). VCF-style: chr1-19219567-A-G. GRCh37 (hg19) VCF-style: chr1-19546061-A-G.
Other names: c.2736+2T>C (NM_001271429.2); c.2799+2T>C (NM_001271427.2, NM_001271428.2); c.2808+2T>C (NM_001375821.1); c.2811+2T>C (NM_001375820.1).
Identifiers: ClinVar variation 2626938 (VCV002626938.1), dbSNP rs2536637199, ClinGen allele CA338749558.
Genomic context (GRCh38, chr1:19,219,567, plus strand): 5'-TAGGAAAGAAACAACCAATGATCCACCAAGGGTGAAATAGGGCAGCTGTGGGCTCTACTC[A>G]CCAAACAAGTGGACTCCAGACCCGAGGGAGCTGTGTAGATACCTCGCATTCGAGAAACTG-3'